The following is an entry in ClinVar:

ClinVar aggregate classification (germline): Likely benign. Review status: criteria provided, single submitter (1 of 4 stars). 2 submissions from 2 submitters: Likely benign (1). 1 of the submissions does not count toward it. Last evaluated 2024-10-17.

Conditions:
CDK12-related disorder. Also called: CDK12-related condition.

Allele frequency attached by ClinVar (database versions not stated): gnomAD exomes 0.00022; ESP Exome Variant Server 0.00023; TOPMed 0.00039; gnomAD 0.00041; ExAC 0.00049; 1000 Genomes Project 30x 0.00141; 1000 Genomes Project 0.00160.
gnomAD v4.1: 385 of 1,614,002 alleles (0.024%); highest among the groups gnomAD compares: Admixed American, 0.28%; 4 homozygotes.

Submissions (2):

Ambry Genetics
Classification: Likely benign. Last evaluated: 2024-10-17. Review status: criteria provided, single submitter. Criteria: Ambry Variant Classification Scheme 2023. Collection method: clinical testing. Allele origin: germline.

PreventionGenetics, part of Exact Sciences
Classification: Likely benign for CDK12-related condition. Last evaluated: 2019-08-09. Review status: no assertion criteria provided. Collection method: clinical testing. Allele origin: germline. Not counted in ClinVar's aggregate classification.
Comment: This variant is classified as likely benign based on ACMG/AMP sequence variant interpretation guidelines (Richards et al. 2015 PMID: 25741868, with internal and published modifications).

NM_016507.4(CDK12):c.3051C>T (p.Ser1017=)

Gene: CDK12 (cyclin dependent kinase 12; plus strand). Cytogenetic location: 17q12.
Variant type: single nucleotide variant.
Coding change: c.3051C>T on transcript NM_016507.4 (MANE Select); coding-DNA position 3051, C replaced by T.
Protein change: p.Ser1017=; no amino-acid change (serine 1017 retained).
Molecular consequence: synonymous variant.
Genome position (GRCh38, 1-based): chr17:39,520,043, C>T. VCF-style: chr17-39520043-C-T. GRCh37 (hg19) VCF-style: chr17-37676296-C-T.
Other names: c.3051C>T, p.Ser1017= (NM_015083.4); c.3051C>T (NM_016507.2).
Identifiers: ClinVar variation 3034908 (VCV003034908.3), dbSNP rs183497483, ClinGen allele CA8531463.